The following is an entry in ClinVar:

ClinVar aggregate classification (germline): Conflicting classifications of pathogenicity. Review status: criteria provided, conflicting classifications (1 of 4 stars). 4 submissions from 4 submitters: Uncertain significance (3); Likely benign (1). Last evaluated 2026-06-12.

Conditions:
ATM-related disorder. Also called: ATM-related disorders; ATM-related condition.
Hereditary cancer-predisposing syndrome. Also called: Hereditary Cancer Syndrome; Neoplastic Syndromes, Hereditary; Tumor predisposition; Hereditary neoplastic syndrome. Identifiers: Orphanet 140162, MedGen C0027672, MeSH D009386, MONDO:0015356.
Ataxia-telangiectasia syndrome (AT). Also called: Cerebello-oculocutaneous telangiectasia; Immunodeficiency with ataxia telangiectasia; Ataxia-telangiectasia, complementation group E; Ataxia-telangiectasia, complementation group D; AT, COMPLEMENTATION GROUP C; ATAXIA-TELANGIECTASIA, COMPLEMENTATION GROUP A. Identifiers: Orphanet 100, MedGen C0004135, MONDO:0008840, OMIM 208900.

Allele frequency attached by ClinVar (database versions not stated): TOPMed 0.00001.
gnomAD v4.1: 1 of 1,613,908 alleles (0.000062%); highest among the groups gnomAD compares: Non-Finnish European, 0.000085%; no homozygotes.

Submissions (4):

PreventionGenetics, part of Exact Sciences
Classification: Uncertain significance for ATM-related condition. Last evaluated: 2026-06-12. Review status: criteria provided, single submitter. Criteria: ACMG Guidelines, 2015. Collection method: clinical testing. Allele origin: germline.
Comment: The ATM c.8390G>A variant is predicted to result in the amino acid substitution p.Ser2797Asn. To our knowledge, this variant has not been reported in the literature or in a large population database (gnomAD), indicating this variant is rare. It has conflicting interpretations in ClinVar ranging from likely benign to uncertain (Variation ID: 524404). At this time, the clinical significance of this variant is uncertain due to the absence of conclusive functional and genetic evidence.

Labcorp Genetics (formerly Invitae), Labcorp
Classification: Uncertain significance for Ataxia-telangiectasia syndrome. Last evaluated: 2025-09-26. Review status: criteria provided, single submitter. Criteria: Invitae Variant Classification Sherloc (09022015). Collection method: clinical testing. Allele origin: germline.
Comment: This sequence change replaces serine, which is neutral and polar, with asparagine, which is neutral and polar, at codon 2797 of the ATM protein (p.Ser2797Asn). This variant is not present in population databases (gnomAD no frequency). This variant has not been reported in the literature in individuals affected with ATM-related conditions. ClinVar contains an entry for this variant (Variation ID: 524404). Invitae Evidence Modeling of protein sequence and biophysical properties (such as structural, functional, and spatial information, amino acid conservation, physicochemical variation, residue mobility, and thermodynamic stability) indicates that this missense variant is not expected to disrupt ATM protein function with a negative predictive value of 95%. In summary, the available evidence is currently insufficient to determine the role of this variant in disease. Therefore, it has been classified as a Variant of Uncertain Significance.

Ambry Genetics
Classification: Likely benign for Hereditary cancer-predisposing syndrome. Last evaluated: 2025-09-15. Review status: criteria provided, single submitter. Criteria: Ambry Variant Classification Scheme 2023. Collection method: clinical testing. Allele origin: germline.

Color Diagnostics, LLC DBA Color Health
Classification: Uncertain significance for Hereditary cancer-predisposing syndrome. Last evaluated: 2019-01-03. Review status: criteria provided, single submitter. Criteria: ACMG Guidelines, 2015. Collection method: clinical testing. Allele origin: germline.

NM_000051.4(ATM):c.8390G>A (p.Ser2797Asn)

Genes: ATM (ATM serine/threonine kinase; plus strand), C11orf65 (chromosome 11 open reading frame 65; minus strand). Cytogenetic location: 11q22.3.
Variant type: single nucleotide variant.
Coding change: c.8390G>A on transcript NM_000051.4 (MANE Select); coding-DNA position 8390, G replaced by A.
Protein change: p.Ser2797Asn; replaces serine 2797 with asparagine.
Molecular consequence: missense variant. On other transcripts: intron variant (2).
Genome position (GRCh38, 1-based): chr11:108,343,343, G>A. VCF-style: chr11-108343343-G-A. GRCh37 (hg19) VCF-style: chr11-108214070-G-A.
Other names: c.8390G>A, p.Ser2797Asn (NM_001351834.2); c.641-34272C>T (NM_001330368.2); c.695-8051C>T (NM_001351110.2); short protein forms S2797N.
Identifiers: ClinVar variation 524404 (VCV000524404.15), dbSNP rs1203037698, ClinGen allele CA382516614.